The following is an entry in ClinVar:

ClinVar aggregate classification (germline): Uncertain significance (1 of 4 stars; one submission).

Submission:

GeneDx
Classification: Uncertain significance. Last evaluated: 2024-04-16. Review status: criteria provided, single submitter. Criteria: GeneDx Variant Classification Process June 2021. Collection method: clinical testing. Allele origin: germline. Affected: yes.
Comment: Not observed at significant frequency in large population cohorts (gnomAD); In silico analysis indicates that this missense variant does not alter protein structure/function; Has not been previously published as pathogenic or benign to our knowledge

NM_018489.3(ASH1L):c.5813A>T (p.Gln1938Leu)

Gene: ASH1L (ASH1 like histone lysine methyltransferase; minus strand). Cytogenetic location: 1q22.
Variant type: single nucleotide variant.
Coding change: c.5813A>T on transcript NM_018489.3 (MANE Select); coding-DNA position 5813, A replaced by T.
Protein change: p.Gln1938Leu; replaces glutamine 1938 with leucine.
Molecular consequence: missense variant.
Genome position (GRCh38, 1-based): chr1:155,438,342, T>A on the plus strand (A>T on the coding strand, the complement: ASH1L is on the minus strand). VCF-style: chr1-155438342-T-A. GRCh37 (hg19) VCF-style: chr1-155408133-T-A.
Other names: c.5813A>T, p.Gln1938Leu (NM_001366177.2); short protein forms Q1938L.
Identifiers: ClinVar variation 3372412 (VCV003372412.1).